The following is an entry in ClinVar:

ClinVar aggregate classification (germline): Uncertain significance (1 of 4 stars; one submission).

Submission:

Labcorp Genetics (formerly Invitae), Labcorp
Classification: Uncertain significance. Last evaluated: 2023-09-05. Review status: criteria provided, single submitter. Criteria: Invitae Variant Classification Sherloc (09022015). Collection method: clinical testing. Allele origin: germline.
Comment: In summary, the available evidence is currently insufficient to determine the role of this variant in disease. Therefore, it has been classified as a Variant of Uncertain Significance. An algorithm developed to predict the effect of missense changes on protein structure and function (PolyPhen-2) suggests that this variant is likely to be disruptive. This variant has not been reported in the literature in individuals affected with ITGAM-related conditions. This variant is not present in population databases (gnomAD no frequency). This sequence change replaces glutamic acid, which is acidic and polar, with valine, which is neutral and non-polar, at codon 854 of the ITGAM protein (p.Glu854Val).

NM_000632.4(ITGAM):c.2561A>T (p.Glu854Val)

Gene: ITGAM (integrin subunit alpha M; plus strand). Cytogenetic location: 16p11.2.
Variant type: single nucleotide variant.
Coding change: c.2561A>T on transcript NM_000632.4 (MANE Select); coding-DNA position 2561, A replaced by T.
Protein change: p.Glu854Val; replaces glutamic acid 854 with valine.
Molecular consequence: missense variant.
Genome position (GRCh38, 1-based): chr16:31,325,555, A>T. VCF-style: chr16-31325555-A-T. GRCh37 (hg19) VCF-style: chr16-31336876-A-T.
Other names: c.2564A>T, p.Glu855Val (NM_001145808.2); short protein forms E855V, E854V.
Identifiers: ClinVar variation 2758314 (VCV002758314.3), dbSNP rs2544498149, ClinGen allele CA395692363.